The following is an entry in ClinVar:

ClinVar aggregate classification (germline): Uncertain significance (1 of 4 stars; one submission).

Conditions:
Alstrom syndrome (ALMS). Identifiers: Orphanet 64, MedGen C0268425, MONDO:0008763, OMIM 203800.

Submission:

Labcorp Genetics (formerly Invitae), Labcorp
Classification: Uncertain significance for Alstrom syndrome. Last evaluated: 2022-07-31. Review status: criteria provided, single submitter. Criteria: Invitae Variant Classification Sherloc (09022015). Collection method: clinical testing. Allele origin: germline.
Comment: This sequence change replaces threonine, which is neutral and polar, with arginine, which is basic and polar, at codon 410 of the ALMS1 protein (p.Thr410Arg). This variant is not present in population databases (gnomAD no frequency). This variant has not been reported in the literature in individuals affected with ALMS1-related conditions. Experimental studies and prediction algorithms are not available or were not evaluated, and the functional significance of this variant is currently unknown. In summary, the available evidence is currently insufficient to determine the role of this variant in disease. Therefore, it has been classified as a Variant of Uncertain Significance.

NM_001378454.1(ALMS1):c.1226C>G (p.Thr409Arg)

Gene: ALMS1 (ALMS1 centrosome and basal body associated protein; plus strand). Cytogenetic location: 2p13.1.
Variant type: single nucleotide variant.
Coding change: c.1226C>G on transcript NM_001378454.1 (MANE Select); coding-DNA position 1226, C replaced by G.
Protein change: p.Thr409Arg; replaces threonine 409 with arginine.
Molecular consequence: missense variant.
Genome position (GRCh38, 1-based): chr2:73,424,891, C>G. VCF-style: chr2-73424891-C-G. GRCh37 (hg19) VCF-style: chr2-73652019-C-G.
Other names: c.1229C>G, p.Thr410Arg (NM_015120.4); short protein forms T409R, T410R.
Identifiers: ClinVar variation 1714653 (VCV001714653.3), dbSNP rs2466047637, ClinGen allele CA347261773.